The following is an entry in ClinVar:

NM_001903.5(CTNNA1):c.1810C>T (p.Gln604Ter)

Gene: CTNNA1 (catenin alpha 1; plus strand). Cytogenetic location: 5q31.2.
Variant type: single nucleotide variant.
Coding change: c.1810C>T on transcript NM_001903.5 (MANE Select); coding-DNA position 1810, C replaced by T.
Protein change: p.Gln604Ter; replaces glutamine 604 with a stop codon.
Molecular consequence: nonsense.
Genome position (GRCh38, 1-based): chr5:138,925,318, C>T. VCF-style: chr5-138925318-C-T. GRCh37 (hg19) VCF-style: chr5-138261007-C-T.
Other names: c.1810C>T, p.Gln604Ter (NM_001290307.3, NM_001323982.2, NM_001323983.1 and 2 more transcripts); c.1501C>T, p.Gln501Ter (NM_001290309.3); c.1441C>T, p.Gln481Ter (NM_001290310.3); c.700C>T, p.Gln234Ter (NM_001290312.1, NM_001323987.1, NM_001323988.1 and 17 more transcripts); c.1717C>T, p.Gln573Ter (NM_001323986.2); c.361C>T, p.Gln121Ter (NM_001324010.1, NM_001324006.1, NM_001324007.1 and 2 more transcripts); c.607C>T, p.Gln203Ter (NM_001324011.1); c.457C>T, p.Gln153Ter (NM_001324012.1, NM_001324013.1); short protein forms Q501*, Q573*, Q121*, Q604*, Q153*, Q203*, Q234*, Q481*.
Identifiers: ClinVar variation 2045148 (VCV002045148.4), dbSNP rs755724779, ClinGen allele CA361132249.

ClinVar aggregate classification (germline): Pathogenic (1 of 4 stars; one submission).

Submission:

Labcorp Genetics (formerly Invitae), Labcorp
Classification: Pathogenic. Last evaluated: 2023-05-15. Review status: criteria provided, single submitter. Criteria: Invitae Variant Classification Sherloc (09022015). Collection method: clinical testing. Allele origin: germline.
Comment: For these reasons, this variant has been classified as Pathogenic. ClinVar contains an entry for this variant (Variation ID: 2045148). This variant has not been reported in the literature in individuals affected with CTNNA1-related conditions. This variant is not present in population databases (gnomAD no frequency). This sequence change creates a premature translational stop signal (p.Gln604*) in the CTNNA1 gene. It is expected to result in an absent or disrupted protein product. Loss-of-function variants in CTNNA1 are known to be pathogenic (PMID: 32051609, 34425242).

Literature cited by the submitters: PubMed 32051609; PubMed 34425242.